The following is an entry in ClinVar:

NM_058216.3(RAD51C):c.342A>G (p.Gly114=)

Gene: RAD51C (RAD51 paralog C; plus strand). Cytogenetic location: 17q22.
Variant type: single nucleotide variant.
Coding change: c.342A>G on transcript NM_058216.3 (MANE Select); coding-DNA position 342, A replaced by G.
Protein change: p.Gly114=; no amino-acid change (glycine 114 retained).
Molecular consequence: synonymous variant. On other transcripts: non-coding transcript variant (2).
Genome position (GRCh38, 1-based): chr17:58,695,127, A>G. VCF-style: chr17-58695127-A-G. GRCh37 (hg19) VCF-style: chr17-56772488-A-G.
Other names: c.342A>G, p.Gly114= (NM_002876.4).
Identifiers: ClinVar variation 538786 (VCV000538786.14), dbSNP rs1555593777, ClinGen allele CA501074732.
Genomic context (GRCh38, chr17:58,695,127, plus strand): 5'-GCATACCCAGGGCTTCATAATCACCTTCTGTTCAGCACTAGATGATATTCTTGGGGGTGG[A>G]GTGCCCTTAATGAAAACAACAGAAATTTGTGGTGCACCAGGTGTTGGAAAAACACAATTA-3'
Protein context (NP_478123.1, residues 104-124): CSALDDILGG[Gly114=]VPLMKTTEIC

ClinVar aggregate classification (germline): Benign/Likely benign. Review status: criteria provided, multiple submitters, no conflicts (2 of 4 stars). 3 submissions from 3 submitters: Benign (1); Likely benign (2). Last evaluated 2025-10-06.

Conditions:
Hereditary cancer-predisposing syndrome. Also called: Neoplastic Syndromes, Hereditary; Tumor predisposition; Hereditary Cancer Syndrome; Hereditary neoplastic syndrome. Identifiers: Orphanet 140162, MedGen C0027672, MeSH D009386, MONDO:0015356.
Breast-ovarian cancer, familial, susceptibility to, 3. Also called: RAD51C-Related Breast/Ovarian Cancer. Identifiers: Orphanet 145, MedGen C3150659, MONDO:0013253, OMIM 613399.
Fanconi anemia complementation group O. Also called: RAD51C-Related Fanconi Anemia. Identifiers: Orphanet 84, MedGen C3150653, MONDO:0013248, OMIM 613390.

Allele frequency attached by ClinVar (database versions not stated): gnomAD exomes below 0.00001.
gnomAD v4.1: 1 of 1,614,088 alleles (0.000062%); highest among the groups gnomAD compares: Non-Finnish European, 0.000085%; no homozygotes.

Submissions (3):

Labcorp Genetics (formerly Invitae), Labcorp
Classification: Likely benign for Fanconi anemia complementation group O. Last evaluated: 2025-10-06. Review status: criteria provided, single submitter. Criteria: Invitae Variant Classification Sherloc (09022015). Collection method: clinical testing. Allele origin: germline.

Myriad Genetics, Inc.
Classification: Benign for Breast-ovarian cancer, familial, susceptibility to, 3. Last evaluated: 2025-02-14. Review status: criteria provided, single submitter. Criteria: Myriad Autosomal Dominant, Autosomal Recessive and X-Linked Classification Criteria (2023). Collection method: clinical testing. Allele origin: unknown.
Comment: This variant is considered benign. This variant is a silent/synonymous amino acid change and it is not expected to impact splicing.

Ambry Genetics
Classification: Likely benign for Hereditary cancer-predisposing syndrome. Last evaluated: 2019-03-19. Review status: criteria provided, single submitter. Criteria: Ambry Variant Classification Scheme 2023. Collection method: clinical testing. Allele origin: germline.